The following is an entry in ClinVar:

NM_001360.3(DHCR7):c.300T>A (p.Tyr100Ter)

Gene: DHCR7 (7-dehydrocholesterol reductase; minus strand). Cytogenetic location: 11q13.4.
Variant type: single nucleotide variant.
Coding change: c.300T>A on transcript NM_001360.3 (MANE Select); coding-DNA position 300, T replaced by A.
Protein change: p.Tyr100Ter; replaces tyrosine 100 with a stop codon.
Molecular consequence: nonsense.
Genome position (GRCh38, 1-based): chr11:71,444,014, A>T on the plus strand (T>A on the coding strand, the complement: DHCR7 is on the minus strand). VCF-style: chr11-71444014-A-T. GRCh37 (hg19) VCF-style: chr11-71155060-A-T.
Other names: c.300T>A, p.Tyr100Ter (NM_001163817.2); short protein forms Y100*.
Identifiers: ClinVar variation 983927 (VCV000983927.3), dbSNP rs1949375897, ClinGen allele CA381695963.
Genomic context (GRCh38, chr11:71,444,014, plus strand): 5'-CACCTGCTGTGTCCCAACCCCAGGGCAGGGGCTGCTGACCTGGAAGGTGACCCACAAGGT[A>T]TAGAGCTGGGCGGCTTTCCTCGTTATAGGTGGAGTCTTGGCCCAGATGTCCGAGAGCCGA-3'

ClinVar aggregate classification (germline): Likely pathogenic (1 of 4 stars; one submission).

Conditions:
Smith-Lemli-Opitz syndrome (SLOS). Also called: POLYDACTYLY, SEX REVERSAL, RENAL HYPOPLASIA, AND UNILOBAR LUNG; RSH SYNDROME; RUTLEDGE LETHAL MULTIPLE CONGENITAL ANOMALY SYNDROME; 7-Dehydrocholesterol reductase deficiency; LETHAL ACRODYSGENITAL SYNDROME. Identifiers: Orphanet 818, MedGen C0175694, MONDO:0010035, OMIM 270400.

Submission:

Myriad Genetics, Inc.
Classification: Likely pathogenic for Smith-Lemli-Opitz syndrome. Last evaluated: 2019-08-09. Review status: criteria provided, single submitter. Criteria: Myriad Women's Health Autosomal Recessive and X-Linked Classification Criteria (2019). Collection method: clinical testing. Allele origin: unknown.
Comment: NM_001360.2(DHCR7):c.300T>A(Y100*) is expected to be pathogenic in the context of Smith-Lemli-Opitz syndrome. This variant is predicted to lead to an abnormal or absent protein product due to the creation of a premature termination codon in DHCR7, a gene where loss-of-function variants are known to be pathogenic. Please note: this variant was assessed in the context of healthy population screening.